The following is an entry in ClinVar:

NM_001278512.2(AP3B2):c.1248C>T (p.Thr416=)

Genes: AP3B2 (adaptor related protein complex 3 subunit beta 2; minus strand), CPEB1-AS1 (CPEB1 antisense RNA 1; plus strand). Cytogenetic location: 15q25.2.
Variant type: single nucleotide variant.
Coding change: c.1248C>T on transcript NM_001278512.2 (MANE Select); coding-DNA position 1248, C replaced by T.
Protein change: p.Thr416=; no amino-acid change (threonine 416 retained).
Molecular consequence: synonymous variant.
Genome position (GRCh38, 1-based): chr15:82,677,801, G>A on the plus strand (C>T on the coding strand, the complement: AP3B2 is on the minus strand). VCF-style: chr15-82677801-G-A. GRCh37 (hg19) VCF-style: chr15-83346553-G-A.
Other names: c.1152C>T, p.Thr384= (NM_001278511.2); c.1248C>T, p.Thr416= (NM_004644.5).
Identifiers: ClinVar variation 1897827 (VCV001897827.13), dbSNP rs145110978, ClinGen allele CA7700261.

ClinVar aggregate classification (germline): Likely benign. Review status: criteria provided, multiple submitters, no conflicts (2 of 4 stars). 2 submissions from 2 submitters: Likely benign (2). Last evaluated 2025-07-01.

Allele frequency attached by ClinVar (database versions not stated): gnomAD exomes 0.00001; gnomAD 0.00003; TOPMed 0.00003; ExAC 0.00011; 1000 Genomes Project 30x 0.00016; 1000 Genomes Project 0.00020.
gnomAD v4.1: 11 of 1,596,808 alleles (0.00069%); highest among the groups gnomAD compares: East Asian, 0.025%; no homozygotes.

Submissions (2):

CeGaT Center for Human Genetics Tuebingen
Classification: Likely benign. Last evaluated: 2025-07-01. Review status: criteria provided, single submitter. Criteria: CeGaT Center For Human Genetics Tuebingen Variant Classification Criteria Version 2. Collection method: clinical testing. Allele origin: germline. Affected: yes. Observed: 1 variant allele.
Comment: AP3B2: BP4, BP7

Labcorp Genetics (formerly Invitae), Labcorp
Classification: Likely benign. Last evaluated: 2022-09-07. Review status: criteria provided, single submitter. Criteria: Invitae Variant Classification Sherloc (09022015). Collection method: clinical testing. Allele origin: germline.